The following is an entry in ClinVar:

ClinVar aggregate classification (germline): Benign/Likely benign. Review status: criteria provided, multiple submitters, no conflicts (2 of 4 stars). 4 submissions from 4 submitters: Benign (1); Likely benign (3). Last evaluated 2026-06-22.

Conditions:
Retinal dystrophy. Also called: Inherited retinal dystrophy. Identifiers: Orphanet 71862, MedGen C0854723, MeSH D058499, MONDO:0019118, HP:0000556.
HK1-related disorder. Also called: HK1-related condition; HK1-related disorders.

Allele frequency attached by ClinVar (database versions not stated): 1000 Genomes Project 30x 0.00016; 1000 Genomes Project 0.00020; gnomAD exomes 0.00002 and 0.00008; gnomAD 0.00004 and 0.00005; TOPMed 0.00005; ExAC 0.00007.

Submissions (4):

PreventionGenetics, part of Exact Sciences
Classification: Likely benign for HK1-related condition. Last evaluated: 2026-06-22. Review status: criteria provided, single submitter. Criteria: ACMG Guidelines, 2015. Collection method: clinical testing. Allele origin: germline.
Comment: This variant is classified as likely benign based on ACMG/AMP sequence variant interpretation guidelines (Richards et al. 2015 PMID: 25741868, with internal and published modifications).

Labcorp Genetics (formerly Invitae), Labcorp
Classification: Likely benign. Last evaluated: 2025-10-07. Review status: criteria provided, single submitter. Criteria: Invitae Variant Classification Sherloc (09022015). Collection method: clinical testing. Allele origin: germline.

Blueprint Genetics
Classification: Likely benign. Last evaluated: 2024-02-21. Review status: criteria provided, single submitter. Criteria: ACMG Guidelines, 2015. Collection method: clinical testing. Allele origin: germline.

Dept Of Ophthalmology, Nagoya University
Classification: Benign for Retinal dystrophy. Last evaluated: 2023-10-01. Review status: criteria provided, single submitter. Criteria: Submitter's publication. Collection method: research. Allele origin: germline. Affected: yes.

NM_000188.3(HK1):c.2469C>T (p.Cys823=)

Gene: HK1 (hexokinase 1; plus strand). Cytogenetic location: 10q22.1.
Variant type: single nucleotide variant.
Coding change: c.2469C>T on transcript NM_000188.3 (MANE Select); coding-DNA position 2469, C replaced by T.
Protein change: p.Cys823=; no amino-acid change (cysteine 823 retained).
Molecular consequence: synonymous variant.
Genome position (GRCh38, 1-based): chr10:69,398,688, C>T. VCF-style: chr10-69398688-C-T. GRCh37 (hg19) VCF-style: chr10-71158444-C-T.
Other names: c.2481C>T, p.Cys827= (NM_001322364.2, NM_001358263.1, NM_033497.3 and 1 more transcripts); c.2574C>T, p.Cys858= (NM_001322365.2); c.2385C>T, p.Cys795= (NM_001322366.1); c.2373C>T, p.Cys791= (NM_001322367.1); c.2466C>T, p.Cys822= (NM_033496.3); c.2433C>T, p.Cys811= (NM_033500.2).
Identifiers: ClinVar variation 740553 (VCV000740553.12), dbSNP rs201668805, ClinGen allele CA5532862.
Genomic context (GRCh38, chr10:69,398,688, plus strand): 5'-CCTCCAGCAGCTAGGTCTGAATAGCACCTGCGATGACAGTATCCTCGTCAAGACAGTGTG[C>T]GGGGTGGTGTCCAGGAGGGCCGCACAGCTGTGTGGCGCAGGCATGGCTGCGGTTGTGGAT-3'
Protein context (NP_000179.2, residues 813-833): CDDSILVKTV[Cys823=]GVVSRRAAQL